The following is an entry in ClinVar:

NM_004453.4(ETFDH):c.487+2T>G

Gene: ETFDH (electron transfer flavoprotein dehydrogenase; plus strand). Cytogenetic location: 4q32.1.
Variant type: single nucleotide variant.
Coding change: c.487+2T>G on transcript NM_004453.4 (MANE Select); the canonical splice donor site of the intron after coding-DNA position 487, T replaced by G.
Molecular consequence: splice donor variant.
Genome position (GRCh38, 1-based): chr4:158,684,675, T>G. VCF-style: chr4-158684675-T-G. GRCh37 (hg19) VCF-style: chr4-159605827-T-G.
Other names: c.346+2T>G (NM_001281737.2); c.304+2T>G (NM_001281738.1).
Identifiers: ClinVar variation 2842449 (VCV002842449.3), dbSNP rs2479086315, ClinGen allele CA358575222.

ClinVar aggregate classification (germline): Likely pathogenic (1 of 4 stars; one submission).

Conditions:
Multiple acyl-CoA dehydrogenase deficiency (MADD). Also called: Glutaric aciduria, type 2; Glutaric acidemia type II; GA 2; ETHYLMALONIC-ADIPICACIDURIA; GA II; Glutaric Acidemia type 2. Identifiers: Orphanet 26791, MedGen C0268596, MONDO:0009282, OMIM 231680.

Submission:

Labcorp Genetics (formerly Invitae), Labcorp
Classification: Likely pathogenic for Multiple acyl-CoA dehydrogenase deficiency. Last evaluated: 2023-03-03. Review status: criteria provided, single submitter. Criteria: Invitae Variant Classification Sherloc (09022015). Collection method: clinical testing. Allele origin: germline.
Comment: This sequence change affects a donor splice site in intron 4 of the ETFDH gene. It is expected to disrupt RNA splicing. Variants that disrupt the donor or acceptor splice site typically lead to a loss of protein function (PMID: 16199547), and loss-of-function variants in ETFDH are known to be pathogenic (PMID: 16510302, 23785301). This variant is not present in population databases (gnomAD no frequency). This variant has not been reported in the literature in individuals affected with ETFDH-related conditions. Algorithms developed to predict the effect of sequence changes on RNA splicing suggest that this variant may disrupt the consensus splice site. In summary, the currently available evidence indicates that the variant is pathogenic, but additional data are needed to prove that conclusively. Therefore, this variant has been classified as Likely Pathogenic.

Literature cited by the submitters: PubMed 16199547; PubMed 16510302; PubMed 23785301.